The following is an entry in ClinVar:

NM_000138.5(FBN1):c.6422A>T (p.Gln2141Leu)

Gene: FBN1 (fibrillin 1; minus strand). Cytogenetic location: 15q21.1.
Variant type: single nucleotide variant.
Coding change: c.6422A>T on transcript NM_000138.5 (MANE Select); coding-DNA position 6422, A replaced by T.
Protein change: p.Gln2141Leu; replaces glutamine 2141 with leucine.
Molecular consequence: missense variant.
Genome position (GRCh38, 1-based): chr15:48,437,035, T>A on the plus strand (A>T on the coding strand, the complement: FBN1 is on the minus strand). VCF-style: chr15-48437035-T-A. GRCh37 (hg19) VCF-style: chr15-48729232-T-A.
Other names: c.6422A>T, p.Gln2141Leu (NM_001406716.1); short protein forms Q2141L.
Identifiers: ClinVar variation 2922235 (VCV002922235.3), dbSNP rs2505435926, ClinGen allele CA392336620.
Genomic context (GRCh38, chr15:48,437,035, plus strand): 5'-CCTGCTAGAATATAACCAAAGGGACACTCGCAGCGATAGGAACCATCTGTATTGATGCAC[T>A]GTCCATGTTTACAGACATCGGGTTCTTTGCATTCGTCCATATCTTAAGCAAGAGAAAAAA-3'
Protein context (NP_000129.3, residues 2131-2151): CKEPDVCKHG[Gln2141Leu]CINTDGSYRC

ClinVar aggregate classification (germline): Uncertain significance (1 of 4 stars; one submission).

Conditions:
Marfan syndrome (MFS). Also called: MARFAN SYNDROME, TYPE I; Marfan syndrome type 1; Marfan's syndrome; Marfan syndrome, classic; FBN1-Related Marfan Syndrome. Identifiers: Orphanet 284963, Orphanet 558, MedGen C0024796, MONDO:0007947, OMIM 154700.
Familial thoracic aortic aneurysm and aortic dissection (TAAD). Also called: Thoracic aortic aneurysms and dissections. Identifiers: Orphanet 91387, MedGen C4707243, MONDO:0019625.

Submission:

Labcorp Genetics (formerly Invitae), Labcorp
Classification: Uncertain significance for Marfan syndrome; Familial thoracic aortic aneurysm and aortic dissection. Last evaluated: 2024-01-16. Review status: criteria provided, single submitter. Criteria: Invitae Variant Classification Sherloc (09022015). Collection method: clinical testing. Allele origin: germline.
Comment: This sequence change replaces glutamine, which is neutral and polar, with leucine, which is neutral and non-polar, at codon 2141 of the FBN1 protein (p.Gln2141Leu). This variant is not present in population databases (gnomAD no frequency). This variant has not been reported in the literature in individuals affected with FBN1-related conditions. Advanced modeling of protein sequence and biophysical properties (such as structural, functional, and spatial information, amino acid conservation, physicochemical variation, residue mobility, and thermodynamic stability) performed at Invitae indicates that this missense variant is not expected to disrupt FBN1 protein function with a negative predictive value of 95%. In summary, the available evidence is currently insufficient to determine the role of this variant in disease. Therefore, it has been classified as a Variant of Uncertain Significance.